The following is an entry in ClinVar:

ClinVar aggregate classification (germline): Likely benign. Review status: reviewed by expert panel (3 of 4 stars). 4 submissions from 4 submitters: Likely benign (1). 3 of the submissions do not count toward it. Last evaluated 2023-11-14.

Conditions:
T-B+ severe combined immunodeficiency due to JAK3 deficiency. Also called: SCID, T CELL-NEGATIVE, B CELL-POSITIVE, NK CELL-NEGATIVE; SCID, autosomal recessive, T-negative/B-positive type. Identifiers: Orphanet 35078, MedGen C1833275, MONDO:0010938, OMIM 600802.

Allele frequency attached by ClinVar (database versions not stated): gnomAD exomes 0.00008 and 0.00019; ExAC 0.00021; ESP Exome Variant Server 0.00054; 1000 Genomes Project 30x 0.00062; gnomAD 0.00078 and 0.00086; 1000 Genomes Project 0.00080; TOPMed 0.00100.
gnomAD v4.1: 232 of 1,614,240 alleles (0.014%); highest among the groups gnomAD compares: African/African-American, 0.28%; no homozygotes.

Submissions (4):

ClinGen Severe Combined Immunodeficiency Variant Curation Expert Panel, ClinGen
Classification: Likely benign for T-B+ severe combined immunodeficiency due to JAK3 deficiency. Last evaluated: 2023-11-14. Review status: reviewed by expert panel. Criteria: ClinGen SCID ACMG Specifications JAK3 V1.0.0. Collection method: curation. Allele origin: germline. Inheritance: Autosomal recessive inheritance.
Comment: The c.2636A>G (NM_000215.4) variant in JAK3 is a missense variant predicted to cause substitution of Histidine by Arginine at amino acid 879 (p.His879Arg). The filtering allele frequency (the lower threshold of the 95% CI of 63/24964) of the c.2636A>G variant in JAK3 is 0.001911 for African/African American chromosomes by gnomAD v2.1.1, which is higher than the ClinGen SCID VCEP threshold (>0.00100) for BS1, and therefore meets this criterion (BS1). To our knowledge, this variant has not been reported in the literature in individuals affected with JAK3-related conditions. In summary, this variant meets the criteria to be classified as Likely Benign for autosomal recessive SCID based on the ACMG/AMP criteria applied, as specified by the ClinGen SCID VCEP. Criteria applied: BS1. (VCEP specifications version 1).

Labcorp Genetics (formerly Invitae), Labcorp
Classification: Likely benign for T-B+ severe combined immunodeficiency due to JAK3 deficiency. Last evaluated: 2026-01-21. Review status: criteria provided, single submitter. Criteria: Invitae Variant Classification Sherloc (09022015). Collection method: clinical testing. Allele origin: germline. Not counted in ClinVar's aggregate classification.

Blueprint Genetics
Classification: Uncertain significance. Last evaluated: 2024-11-13. Review status: criteria provided, single submitter. Criteria: ACMG Guidelines, 2015. Collection method: clinical testing. Allele origin: germline. Not counted in ClinVar's aggregate classification.

GeneDx
Classification: Uncertain significance. Last evaluated: 2016-02-15. Review status: criteria provided, single submitter. Criteria: GeneDx Variant Classification (06012015). Collection method: clinical testing. Allele origin: germline. Affected: yes. Not counted in ClinVar's aggregate classification.
Comment: The H879R variant in the JAK3 gene has not been published as a pathogenic variant, nor has it been reported as a benign variant to our knowledge. The NHLBI Exome Sequencing Project reports the variant was observed in 7/4406 (0.16%) alleles from individuals of African American background, and the 1000 Genomes Project Consortium reports it was observed in 4/1322 alleles from individuals of African background, indicating it may be a rare variant in these populations. H879R is a conservative amino acid substitution, which is not likely to impact secondary protein structure as these residues share similar properties. However, this substitution occurs at a position that is conserved across species, and in silico analysis predicts this variant is probably damaging to the protein structure/function. Therefore, based on the currently available information, it is unclear whether this variant is a pathogenic variant or a rare benign variant.

NM_000215.4(JAK3):c.2636A>G (p.His879Arg)

Gene: JAK3 (Janus kinase 3; minus strand). Cytogenetic location: 19p13.11.
Variant type: single nucleotide variant.
Coding change: c.2636A>G on transcript NM_000215.4 (MANE Select); coding-DNA position 2636, A replaced by G.
Protein change: p.His879Arg; replaces histidine 879 with arginine.
Molecular consequence: missense variant.
Genome position (GRCh38, 1-based): chr19:17,832,563, T>C on the plus strand (A>G on the coding strand, the complement: JAK3 is on the minus strand). VCF-style: chr19-17832563-T-C. GRCh37 (hg19) VCF-style: chr19-17943372-T-C.
Other names: NM_000215.4(JAK3):c.2636A>G; p.His879Arg; short protein forms H879R.
Identifiers: ClinVar variation 372390 (VCV000372390.13), dbSNP rs3179893, ClinGen allele CA9301563.